The following is an entry in ClinVar:

NM_006231.4(POLE):c.4792A>C (p.Ser1598Arg)

Gene: POLE (DNA polymerase epsilon, catalytic subunit; minus strand). Cytogenetic location: 12q24.33.
Variant type: single nucleotide variant.
Coding change: c.4792A>C on transcript NM_006231.4 (MANE Select); coding-DNA position 4792, A replaced by C.
Protein change: p.Ser1598Arg; replaces serine 1598 with arginine.
Molecular consequence: missense variant.
Genome position (GRCh38, 1-based): chr12:132,642,666, T>G on the plus strand (A>C on the coding strand, the complement: POLE is on the minus strand). VCF-style: chr12-132642666-T-G. GRCh37 (hg19) VCF-style: chr12-133219252-T-G.
Other names: short protein forms S1598R.
Identifiers: ClinVar variation 240541 (VCV000240541.32), dbSNP rs776538943, ClinGen allele CA6892709.

ClinVar aggregate classification (germline): Conflicting classifications of pathogenicity. Review status: criteria provided, conflicting classifications (1 of 4 stars). 7 submissions from 7 submitters: Uncertain significance (6); Likely benign (1). Last evaluated 2026-01-27.

Conditions:
Colorectal cancer, susceptibility to, 12 (CRCS12). Also called: COLORECTAL CANCER, SUSCEPTIBILITY TO, ON CHROMOSOME 12q24. Identifiers: Orphanet 220460, MedGen C3554460, MONDO:0014038, OMIM 615083.
Facial dysmorphism-immunodeficiency-livedo-short stature syndrome. Also called: Facial dysmorphism, immunodeficiency, livedo, and short stature; FILS syndrome. Identifiers: Orphanet 352712, MedGen C3554576, MONDO:0014058, OMIM 615139.
Intrauterine growth retardation, metaphyseal dysplasia, adrenal hypoplasia congenita, genital anomalies, and immunodeficiency. Also called: IMAGEI SYNDROME. Identifiers: MedGen C5193036, MONDO:0032684, OMIM 618336.
Hereditary cancer-predisposing syndrome. Also called: Tumor predisposition; Neoplastic Syndromes, Hereditary; Hereditary Cancer Syndrome; Hereditary neoplastic syndrome. Identifiers: Orphanet 140162, MedGen C0027672, MeSH D009386, MONDO:0015356.

Allele frequency attached by ClinVar (database versions not stated): TOPMed 0.00006.
gnomAD v4.1: 39 of 1,613,282 alleles (0.0024%); highest among the groups gnomAD compares: Non-Finnish European, 0.0031%; no homozygotes.

Submissions (7):

Labcorp Genetics (formerly Invitae), Labcorp
Classification: Uncertain significance. Last evaluated: 2026-01-27. Review status: criteria provided, single submitter. Criteria: Invitae Variant Classification Sherloc (09022015). Collection method: clinical testing. Allele origin: germline.
Comment: This sequence change replaces serine, which is neutral and polar, with arginine, which is basic and polar, at codon 1598 of the POLE protein (p.Ser1598Arg). This variant is present in population databases (rs776538943, gnomAD 0.006%). This variant has not been reported in the literature in individuals affected with POLE-related conditions. ClinVar contains an entry for this variant (Variation ID: 240541). Invitae Evidence Modeling of protein sequence and biophysical properties (such as structural, functional, and spatial information, amino acid conservation, physicochemical variation, residue mobility, and thermodynamic stability) indicates that this missense variant is not expected to disrupt POLE protein function with a negative predictive value of 80%. In summary, the available evidence is currently insufficient to determine the role of this variant in disease. Therefore, it has been classified as a Variant of Uncertain Significance.

Center for Genomic Medicine, Rigshospitalet, Copenhagen University Hospital
Classification: Uncertain significance. Last evaluated: 2025-12-29. Review status: criteria provided, single submitter. Criteria: ACMG Guidelines, 2015. Collection method: clinical testing. Allele origin: germline.

Ambry Genetics
Classification: Likely benign for Hereditary cancer-predisposing syndrome. Last evaluated: 2024-12-06. Review status: criteria provided, single submitter. Criteria: Ambry Variant Classification Scheme 2023. Collection method: clinical testing. Allele origin: germline.

St. Jude Molecular Pathology, St. Jude Children's Research Hospital
Classification: Uncertain significance for Colorectal cancer, susceptibility to, 12. Last evaluated: 2024-07-26. Review status: criteria provided, single submitter. Criteria: St. Jude Assertion Criteria 2020. Collection method: clinical testing. Allele origin: germline.
Comment: The POLE c.4792A>C (p.Ser1598Arg) missense change has a maximum subpopulation frequency of 0.0054% in gnomAD v2.1.1. The in silico tool REVEL predicts a benign effect on protein function, but to our knowledge this prediction has not been confirmed by functional studies. To our knowledge, this variant has not been reported in the literature in individuals with POLE-related disease. In summary, the evidence currently available is insufficient to determine the clinical significance of this variant. It has therefore been classified as of uncertain significance.

Fulgent Genetics
Classification: Uncertain significance for Colorectal cancer, susceptibility to, 12; Facial dysmorphism-immunodeficiency-livedo-short stature syndrome; Intrauterine growth retardation, metaphyseal dysplasia, adrenal hypoplasia congenita, genital anomalies, and immunodeficiency. Last evaluated: 2024-04-03. Review status: criteria provided, single submitter. Criteria: ACMG Guidelines, 2015. Collection method: clinical testing. Allele origin: germline.

GeneDx
Classification: Uncertain significance. Last evaluated: 2023-06-07. Review status: criteria provided, single submitter. Criteria: GeneDx Variant Classification Process June 2021. Collection method: clinical testing. Allele origin: germline. Affected: yes.
Comment: In silico analysis supports that this missense variant does not alter protein structure/function; Has not been previously published as pathogenic or benign to our knowledge

Genetic Services Laboratory, University of Chicago
Classification: Uncertain significance. Last evaluated: 2019-12-05. Review status: criteria provided, single submitter. Criteria: ACMG Guidelines, 2015. Collection method: clinical testing. Allele origin: germline. Affected: no.